The following is an entry in ClinVar:

ClinVar aggregate classification (germline): Conflicting classifications of pathogenicity. Review status: criteria provided, conflicting classifications (1 of 4 stars). 2 submissions from 2 submitters: Likely pathogenic (1); Uncertain significance (1). Last evaluated 2026-08-26.

Conditions:
Breast-ovarian cancer, familial, susceptibility to, 2 (BROVCA2). Also called: BRCA2 Hereditary Breast and Ovarian Cancer. Identifiers: Orphanet 145, MedGen C2675520, MONDO:0012933, OMIM 612555. Disease mechanism: loss of function.

Submissions (2):

Myriad Genetics, Inc.
Classification: Likely pathogenic for Breast-ovarian cancer, familial, susceptibility to, 2. Last evaluated: 2026-08-26. Review status: criteria provided, single submitter. Criteria: Myriad Autosomal Dominant, Autosomal Recessive and X-Linked Classification Criteria (2023). Collection method: clinical testing. Allele origin: unknown.
Comment: This variant is considered likely pathogenic. mRNA analysis has demonstrated abnormal mRNA splicing occurs [PMID: 41848520].

Blueprint Genetics
Classification: Uncertain significance. Last evaluated: 2024-10-14. Review status: criteria provided, single submitter. Criteria: ACMG Guidelines, 2015. Collection method: clinical testing. Allele origin: germline.

Literature cited by the submitters: PubMed 41848520 (cited by Myriad Genetics, Inc.).

NM_000059.4(BRCA2):c.8487G>A (p.Gln2829=)

Gene: BRCA2 (BRCA2 DNA repair associated; plus strand). Cytogenetic location: 13q13.1.
Variant type: single nucleotide variant.
Coding change: c.8487G>A on transcript NM_000059.4 (MANE Select); coding-DNA position 8487, G replaced by A.
Protein change: p.Gln2829=; no amino-acid change (glutamine 2829 retained).
Molecular consequence: synonymous variant. On other transcripts: non-coding transcript variant (1).
Genome position (GRCh38, 1-based): chr13:32,370,557, G>A. VCF-style: chr13-32370557-G-A. GRCh37 (hg19) VCF-style: chr13-32944694-G-A.
Other names: c.8391G>A, p.Gln2797= (NM_001406719.1); c.8487G>A, p.Gln2829= (NM_001406720.1, NM_001432077.1); c.3555G>A, p.Gln1185= (NM_001406721.1); c.2070G>A, p.Gln690= (NM_001406722.1).
Identifiers: ClinVar variation 4919688 (VCV004919688.2).
Genomic context (GRCh38, chr13:32,370,557, plus strand): 5'-CAGTGATGGAGGAAATGTTGGTTGTGTTGATGTAATTATTCAAAGAGCATACCCTATACA[G>A]GTATGATGTATTCTTGAAACTTACCATATATTTCTTTCTTTTGATACAATTAATTTGTTT-3'
Protein context (NP_000050.3, residues 2819-2839): DVIIQRAYPI[Gln2829=]WMEKTSSGLY